The following is an entry in ClinVar:

ClinVar aggregate classification (germline): Uncertain significance. Review status: criteria provided, multiple submitters, no conflicts (2 of 4 stars). 3 submissions from 3 submitters: Uncertain significance (2). 1 of the submissions does not count toward it. Last evaluated 2022-02-23.

Conditions:
Alstrom syndrome (ALMS). Identifiers: Orphanet 64, MedGen C0268425, MONDO:0008763, OMIM 203800.

Allele frequency attached by ClinVar (database versions not stated): gnomAD 0.00001; gnomAD exomes 0.00001 and 0.00003; ExAC 0.00002; ESP Exome Variant Server 0.00008.
gnomAD v4.1: 47 of 1,613,924 alleles (0.0029%); highest among the groups gnomAD compares: East Asian, 0.0045%; no homozygotes.

Submissions (3):

Labcorp Genetics (formerly Invitae), Labcorp
Classification: Uncertain significance for Alstrom syndrome. Last evaluated: 2022-02-23. Review status: criteria provided, single submitter. Criteria: Invitae Variant Classification Sherloc (09022015). Collection method: clinical testing. Allele origin: germline.
Comment: This variant has not been reported in the literature in individuals affected with ALMS1-related conditions. This variant is present in population databases (rs376255515, gnomAD 0.004%). This sequence change replaces threonine with isoleucine at codon 3840 of the ALMS1 protein (p.Thr3840Ile). The threonine residue is highly conserved and there is a moderate physicochemical difference between threonine and isoleucine. ClinVar contains an entry for this variant (Variation ID: 555381). In summary, the available evidence is currently insufficient to determine the role of this variant in disease. Therefore, it has been classified as a Variant of Uncertain Significance. Experimental studies and prediction algorithms are not available or were not evaluated, and the functional significance of this variant is currently unknown.

Fulgent Genetics
Classification: Uncertain significance for Alstrom syndrome. Last evaluated: 2021-11-16. Review status: criteria provided, single submitter. Criteria: ACMG Guidelines, 2015. Collection method: clinical testing. Allele origin: unknown.

Counsyl
Classification: Uncertain significance for Alstrom syndrome. Last evaluated: 2017-12-04. Review status: no assertion criteria provided. Collection method: clinical testing. Allele origin: unknown. Not counted in ClinVar's aggregate classification.

NM_001378454.1(ALMS1):c.11516C>T (p.Thr3839Ile)

Gene: ALMS1 (ALMS1 centrosome and basal body associated protein; plus strand). Cytogenetic location: 2p13.1.
Variant type: single nucleotide variant.
Coding change: c.11516C>T on transcript NM_001378454.1 (MANE Select); coding-DNA position 11516, C replaced by T.
Protein change: p.Thr3839Ile; replaces threonine 3839 with isoleucine.
Molecular consequence: missense variant.
Genome position (GRCh38, 1-based): chr2:73,573,393, C>T. VCF-style: chr2-73573393-C-T. GRCh37 (hg19) VCF-style: chr2-73800520-C-T.
Other names: c.11519C>T, p.Thr3840Ile (NM_015120.4); short protein forms T3840I, T3839I.
Identifiers: ClinVar variation 555381 (VCV000555381.8), dbSNP rs376255515, ClinGen allele CA1715216.
Genomic context (GRCh38, chr2:73,573,393, plus strand): 5'-ACCTTGAGAAGCGGAGCAAACACAGCAAGAAAGTGCTGAATACAGGTCATCCCCTAGTGA[C>T]TTCTGAGCACACCAGAAGGAGACACATCCAGGTACATGGCTACAGATTCCATCTGGCAAT-3'
Protein context (NP_001365383.1, residues 3829-3849): KVLNTGHPLV[Thr3839Ile]SEHTRRRHIQ